The following is an entry in ClinVar:

ClinVar aggregate classification (germline): Uncertain significance. Review status: criteria provided, multiple submitters, no conflicts (2 of 4 stars). 3 submissions from 3 submitters: Uncertain significance (3). Last evaluated 2023-12-11.

Conditions:
ALG6-congenital disorder of glycosylation 1C (CDG1C). Also called: CDG Ic; CARBOHYDRATE-DEFICIENT GLYCOPROTEIN SYNDROME, TYPE I, WITH DEFICIENT GLYCOSYLATION OF DOLICHOL-LINKED OLIGOSACCHARIDE; CARBOHYDRATE-DEFICIENT GLYCOPROTEIN SYNDROME, TYPE V; Congenital disorder of glycosylation type 1C; Congenital disorder of glycosylation, type Ic. Identifiers: Orphanet 79320, MedGen C2930997, MONDO:0011291, OMIM 603147.
Inborn genetic diseases. Identifiers: MedGen C0950123, MeSH D030342.

Allele frequency attached by ClinVar (database versions not stated): gnomAD exomes 0.00002; ExAC 0.00003; gnomAD 0.00003; TOPMed 0.00005.
gnomAD v4.1: 32 of 1,613,488 alleles (0.002%); highest among the groups gnomAD compares: Middle Eastern, 0.049%; no homozygotes.

Submissions (3):

Labcorp Genetics (formerly Invitae), Labcorp
Classification: Uncertain significance for ALG6-congenital disorder of glycosylation 1C. Last evaluated: 2023-12-11. Review status: criteria provided, single submitter. Criteria: Invitae Variant Classification Sherloc (09022015). Collection method: clinical testing. Allele origin: germline.
Comment: This sequence change replaces tryptophan, which is neutral and slightly polar, with cysteine, which is neutral and slightly polar, at codon 94 of the ALG6 protein (p.Trp94Cys). This variant is present in population databases (rs201854537, gnomAD 0.01%). This variant has not been reported in the literature in individuals affected with ALG6-related conditions. ClinVar contains an entry for this variant (Variation ID: 2081900). Advanced modeling of protein sequence and biophysical properties (such as structural, functional, and spatial information, amino acid conservation, physicochemical variation, residue mobility, and thermodynamic stability) performed at Invitae indicates that this missense variant is expected to disrupt ALG6 protein function with a positive predictive value of 80%. In summary, the available evidence is currently insufficient to determine the role of this variant in disease. Therefore, it has been classified as a Variant of Uncertain Significance.

Ambry Genetics
Classification: Uncertain significance for Inborn genetic diseases. Last evaluated: 2022-08-17. Review status: criteria provided, single submitter. Criteria: Ambry Variant Classification Scheme 2023. Collection method: clinical testing. Allele origin: germline.

Breakthrough Genomics
Classification: Uncertain significance. Review status: criteria provided, single submitter. Criteria: ACMG Guidelines, 2015. Collection method: not provided. Allele origin: germline. Inheritance: Autosomal recessive inheritance. Affected: yes.

NM_013339.4(ALG6):c.282G>T (p.Trp94Cys)

Gene: ALG6 (ALG6 alpha-1,3-glucosyltransferase; plus strand). Cytogenetic location: 1p31.3.
Variant type: single nucleotide variant.
Coding change: c.282G>T on transcript NM_013339.4 (MANE Select); coding-DNA position 282, G replaced by T.
Protein change: p.Trp94Cys; replaces tryptophan 94 with cysteine.
Molecular consequence: missense variant.
Genome position (GRCh38, 1-based): chr1:63,404,477, G>T. VCF-style: chr1-63404477-G-T. GRCh37 (hg19) VCF-style: chr1-63870148-G-T.
Other names: short protein forms W94C.
Identifiers: ClinVar variation 2081900 (VCV002081900.4), dbSNP rs201854537, ClinGen allele CA888128.